The following is an entry in ClinVar:

NM_139276.3(STAT3):c.1250G>C (p.Arg417Thr)

Gene: STAT3 (signal transducer and activator of transcription 3; minus strand). Cytogenetic location: 17q21.2.
Variant type: single nucleotide variant.
Coding change: c.1250G>C on transcript NM_139276.3 (MANE Select); coding-DNA position 1250, G replaced by C.
Protein change: p.Arg417Thr; replaces arginine 417 with threonine.
Molecular consequence: missense variant.
Genome position (GRCh38, 1-based): chr17:42,329,441, C>G on the plus strand (G>C on the coding strand, the complement: STAT3 is on the minus strand). VCF-style: chr17-42329441-C-G. GRCh37 (hg19) VCF-style: chr17-40481459-C-G.
Other names: c.1250G>C, p.Arg417Thr (NM_001369512.1, NM_001369513.1, NM_001369514.1 and 12 more transcripts); c.1172G>C, p.Arg391Thr (NM_001384985.1); c.1265G>C, p.Arg422Thr (NM_001384986.1, NM_001384990.1); c.1154G>C, p.Arg385Thr (NM_001384989.1); c.1190G>C, p.Arg397Thr (NM_001384992.1); short protein forms R385T, R391T, R397T, R417T, R422T.
Identifiers: ClinVar variation 2576269 (VCV002576269.4), dbSNP rs2144767285, ClinGen allele CA399588482.

ClinVar aggregate classification (germline): Uncertain significance. Review status: criteria provided, multiple submitters, no conflicts (2 of 4 stars). 2 submissions from 2 submitters: Uncertain significance (2). Last evaluated 2025-03-04.

Conditions:
Hyper-IgE recurrent infection syndrome 1, autosomal dominant. Also called: JOB SYNDROME; STAT3 Hyper IgE Syndrome; HYPER-IgE SYNDROME 1, AUTOSOMAL DOMINANT, WITH RECURRENT INFECTIONS; Job's Syndrome; Hyper-IgE recurrent infection syndrome 1. Identifiers: Orphanet 2314, MedGen C2936739, MONDO:0007818, OMIM 147060.
STAT3 gain of function. Identifiers: MedGen C4288261.

Submissions (2):

Center for Genomic Medicine, Rigshospitalet, Copenhagen University Hospital
Classification: Uncertain significance. Last evaluated: 2025-03-04. Review status: criteria provided, single submitter. Criteria: ACMG Guidelines, 2015. Collection method: clinical testing. Allele origin: germline.

Labcorp Genetics (formerly Invitae), Labcorp
Classification: Uncertain significance for STAT3 gain of function; Hyper-IgE recurrent infection syndrome 1, autosomal dominant. Last evaluated: 2024-05-21. Review status: criteria provided, single submitter. Criteria: Invitae Variant Classification Sherloc (09022015). Collection method: clinical testing. Allele origin: germline.
Comment: This sequence change replaces arginine, which is basic and polar, with threonine, which is neutral and polar, at codon 417 of the STAT3 protein (p.Arg417Thr). This variant is not present in population databases (gnomAD no frequency). This variant has not been reported in the literature in individuals affected with STAT3-related conditions. ClinVar contains an entry for this variant (Variation ID: 2576269). Advanced modeling of protein sequence and biophysical properties (such as structural, functional, and spatial information, amino acid conservation, physicochemical variation, residue mobility, and thermodynamic stability) has been performed at Invitae for this missense variant, however the output from this modeling did not meet the statistical confidence thresholds required to predict the impact of this variant on STAT3 protein function. In summary, the available evidence is currently insufficient to determine the role of this variant in disease. Therefore, it has been classified as a Variant of Uncertain Significance.

Literature cited by the submitters: PubMed 17676033 (cited by Center for Genomic Medicine, Rigshospitalet, Copenhagen University Hospital); PubMed 17881745 (cited by Center for Genomic Medicine, Rigshospitalet, Copenhagen University Hospital).